The following is an entry in ClinVar:

NM_004655.4(AXIN2):c.2142-20C>T

Gene: AXIN2 (axin 2; minus strand). Cytogenetic location: 17q24.1.
Variant type: single nucleotide variant.
Coding change: c.2142-20C>T on transcript NM_004655.4 (MANE Select); 20 bases into the intron before coding-DNA position 2142, C replaced by T.
Molecular consequence: intron variant.
Genome position (GRCh38, 1-based): chr17:65,535,741, G>A on the plus strand (C>T on the coding strand, the complement: AXIN2 is on the minus strand). VCF-style: chr17-65535741-G-A. GRCh37 (hg19) VCF-style: chr17-63531859-G-A.
Other names: c.1947-20C>T (NM_001363813.1).
Identifiers: ClinVar variation 1252831 (VCV001252831.18), dbSNP rs764171738, ClinGen allele CA8718391.

ClinVar aggregate classification (germline): Benign/Likely benign. Review status: criteria provided, multiple submitters, no conflicts (2 of 4 stars). 5 submissions from 5 submitters: Benign (1); Likely benign (4). Last evaluated 2026-01-31.

Conditions:
Oligodontia-cancer predisposition syndrome. Also called: TOOTH AGENESIS-COLORECTAL CANCER SYNDROME. Identifiers: Orphanet 300576, MedGen C1837750, MONDO:0012075, OMIM 608615. Disease mechanism: loss of function.

Allele frequency attached by ClinVar (database versions not stated): ExAC 0.00010; gnomAD 0.00010 and 0.00011; TOPMed 0.00011; gnomAD exomes 0.00015.
gnomAD v4.1: 236 of 1,594,808 alleles (0.015%); highest among the groups gnomAD compares: Middle Eastern, 0.23%; no homozygotes.

Submissions (5):

Labcorp Genetics (formerly Invitae), Labcorp
Classification: Likely benign for Oligodontia-cancer predisposition syndrome. Last evaluated: 2026-01-31. Review status: criteria provided, single submitter. Criteria: Invitae Variant Classification Sherloc (09022015). Collection method: clinical testing. Allele origin: germline.

Center for Genomic Medicine, Rigshospitalet, Copenhagen University Hospital
Classification: Likely benign. Last evaluated: 2025-03-04. Review status: criteria provided, single submitter. Criteria: ACMG Guidelines, 2015. Collection method: clinical testing. Allele origin: germline.

Blueprint Genetics
Classification: Likely benign. Last evaluated: 2024-10-02. Review status: criteria provided, single submitter. Criteria: ACMG Guidelines, 2015. Collection method: clinical testing. Allele origin: germline.

Myriad Genetics, Inc.
Classification: Likely benign for Oligodontia-cancer predisposition syndrome. Last evaluated: 2024-07-09. Review status: criteria provided, single submitter. Criteria: Myriad Autosomal Dominant, Autosomal Recessive and X-Linked Classification Criteria (2023). Collection method: clinical testing. Allele origin: unknown.
Comment: This variant is considered likely benign. This variant is intronic and is not expected to impact mRNA splicing.

GeneDx
Classification: Benign. Last evaluated: 2015-03-03. Review status: criteria provided, single submitter. Criteria: GeneDx Variant Classification Process June 2021. Collection method: clinical testing. Allele origin: germline. Affected: yes.